The following is an entry in ClinVar:

NM_004991.4(MECOM):c.680A>G (p.His227Arg)

Gene: MECOM (MDS1 and EVI1 complex locus; minus strand). Cytogenetic location: 3q26.2.
Variant type: single nucleotide variant.
Coding change: c.680A>G on transcript NM_004991.4 (MANE Select); coding-DNA position 680, A replaced by G.
Protein change: p.His227Arg; replaces histidine 227 with arginine.
Molecular consequence: missense variant.
Genome position (GRCh38, 1-based): chr3:169,127,994, T>C on the plus strand (A>G on the coding strand, the complement: MECOM is on the minus strand). VCF-style: chr3-169127994-T-C. GRCh37 (hg19) VCF-style: chr3-168845782-T-C.
Other names: c.308A>G, p.His103Arg (NM_001105077.4); c.116A>G, p.His39Arg (NM_001105078.4, NM_001163999.2, NM_001164000.2 and 9 more transcripts); c.680A>G, p.His227Arg (NM_001366466.2, NM_001366473.2); short protein forms H103R, H227R, H39R.
Identifiers: ClinVar variation 4859702 (VCV004859702.1).

ClinVar aggregate classification (germline): Uncertain significance (1 of 4 stars; one submission).

Conditions:
Inborn genetic diseases. Identifiers: MedGen C0950123, MeSH D030342.

Submission:

Ambry Genetics
Classification: Uncertain significance for Inborn genetic diseases. Last evaluated: 2026-03-24. Review status: criteria provided, single submitter. Criteria: Ambry Variant Classification Scheme 2023. Collection method: clinical testing. Allele origin: germline.
Comment: The p.H227R variant (also known as c.680A>G), located in coding exon 5 of the MECOM gene, results from an A to G substitution at nucleotide position 680. The histidine at codon 227 is replaced by arginine, an amino acid with highly similar properties. This amino acid position is conserved. In addition, this alteration is predicted to be deleterious by in silico analysis. Based on the available evidence, the clinical significance of this variant remains unclear.